The following is an entry in ClinVar:

NM_004385.5(VCAN):c.7619C>T (p.Thr2540Ile)

Genes: VCAN (versican; plus strand), VCAN-AS1 (VCAN antisense RNA 1; minus strand). Cytogenetic location: 5q14.3.
Variant type: single nucleotide variant.
Coding change: c.7619C>T on transcript NM_004385.5 (MANE Select); coding-DNA position 7619, C replaced by T.
Protein change: p.Thr2540Ile; replaces threonine 2540 with isoleucine.
Molecular consequence: missense variant. On other transcripts: intron variant (2).
Genome position (GRCh38, 1-based): chr5:83,540,622, C>T. VCF-style: chr5-83540622-C-T. GRCh37 (hg19) VCF-style: chr5-82836441-C-T.
Other names: c.4658C>T, p.Thr1553Ile (NM_001164097.2); c.4004-4915C>T (NM_001164098.2); c.1043-4915C>T (NM_001126336.3); short protein forms T1553I, T2540I.
Identifiers: ClinVar variation 1932160 (VCV001932160.6), dbSNP rs1009437763, ClinGen allele CA121811185.

ClinVar aggregate classification (germline): Uncertain significance. Review status: criteria provided, multiple submitters, no conflicts (2 of 4 stars). 2 submissions from 2 submitters: Uncertain significance (2). Last evaluated 2025-04-28.

Submissions (2):

Labcorp Genetics (formerly Invitae), Labcorp
Classification: Uncertain significance. Last evaluated: 2025-04-28. Review status: criteria provided, single submitter. Criteria: Invitae Variant Classification Sherloc (09022015). Collection method: clinical testing. Allele origin: germline.
Comment: This sequence change replaces threonine, which is neutral and polar, with isoleucine, which is neutral and non-polar, at codon 2540 of the VCAN protein (p.Thr2540Ile). This variant is not present in population databases (gnomAD no frequency). This variant has not been reported in the literature in individuals affected with VCAN-related conditions. ClinVar contains an entry for this variant (Variation ID: 1932160). An algorithm developed to predict the effect of missense changes on protein structure and function (PolyPhen-2) suggests that this variant is likely to be disruptive. In summary, the available evidence is currently insufficient to determine the role of this variant in disease. Therefore, it has been classified as a Variant of Uncertain Significance.

Blueprint Genetics
Classification: Uncertain significance. Last evaluated: 2019-03-04. Review status: criteria provided, single submitter. Criteria: ACMG Guidelines, 2015. Collection method: clinical testing. Allele origin: germline.